The following is an entry in ClinVar:

ClinVar aggregate classification (germline): Uncertain significance. Review status: criteria provided, multiple submitters, no conflicts (2 of 4 stars). 3 submissions from 3 submitters: Uncertain significance (3). Last evaluated 2026-01-02.

Conditions:
MEGF8-related Carpenter syndrome. Also called: Carpenter syndrome 2. Identifiers: Orphanet 65759, MedGen C3554247, MONDO:0013998, OMIM 614976.
Inborn genetic diseases. Identifiers: MedGen C0950123, MeSH D030342.

Allele frequency attached by ClinVar (database versions not stated): gnomAD 0.00011; ExAC 0.00012; TOPMed 0.00016.
gnomAD v4.1: 371 of 1,551,128 alleles (0.024%); highest among the groups gnomAD compares: Non-Finnish European, 0.03%; no homozygotes.

Submissions (3):

Labcorp Genetics (formerly Invitae), Labcorp
Classification: Uncertain significance for MEGF8-related Carpenter syndrome. Last evaluated: 2026-01-02. Review status: criteria provided, single submitter. Criteria: Invitae Variant Classification Sherloc (09022015). Collection method: clinical testing. Allele origin: germline.
Comment: This sequence change replaces arginine, which is basic and polar, with tryptophan, which is neutral and slightly polar, at codon 1094 of the MEGF8 protein (p.Arg1094Trp). This variant is present in population databases (rs771818419, gnomAD 0.02%). This missense change has been observed in individual(s) with Carpenter syndrome (PMID: 37853563). ClinVar contains an entry for this variant (Variation ID: 2499547). An algorithm developed to predict the effect of missense changes on protein structure and function (PolyPhen-2) suggests that this variant is likely to be disruptive. In summary, the available evidence is currently insufficient to determine the role of this variant in disease. Therefore, it has been classified as a Variant of Uncertain Significance.

Ambry Genetics
Classification: Uncertain significance for Inborn genetic diseases. Last evaluated: 2025-05-25. Review status: criteria provided, single submitter. Criteria: Ambry Variant Classification Scheme 2023. Collection method: clinical testing. Allele origin: germline.

Duke University Health System Sequencing Clinic, Duke University Health System
Classification: Uncertain significance for MEGF8-related Carpenter syndrome. Last evaluated: 2023-04-20. Review status: criteria provided, single submitter. Criteria: ACMG Guidelines, 2015. Collection method: research. Allele origin: maternal. Affected: yes.

Literature cited by the submitters: PubMed 37853563 (cited by Labcorp Genetics (formerly Invitae), Labcorp).

NM_001271938.2(MEGF8):c.3481C>T (p.Arg1161Trp)

Gene: MEGF8 (multiple EGF like domains 8; plus strand). Cytogenetic location: 19q13.2.
Variant type: single nucleotide variant.
Coding change: c.3481C>T on transcript NM_001271938.2 (MANE Select); coding-DNA position 3481, C replaced by T.
Protein change: p.Arg1161Trp; replaces arginine 1161 with tryptophan.
Molecular consequence: missense variant.
Genome position (GRCh38, 1-based): chr19:42,353,058, C>T. VCF-style: chr19-42353058-C-T. GRCh37 (hg19) VCF-style: chr19-42857210-C-T.
Other names: c.3280C>T (NM_001410.2); c.3280C>T, p.Arg1094Trp (NM_001410.3); short protein forms R1094W, R1161W.
Identifiers: ClinVar variation 2499547 (VCV002499547.4), dbSNP rs771818419, ClinGen allele CA9475006.